The following is an entry in ClinVar:

ClinVar aggregate classification (germline): Pathogenic (1 of 4 stars; one submission).

Conditions:
Nephronophthisis 15 (NPHP15). Identifiers: Orphanet 3156, MedGen C3541853, MONDO:0013917, OMIM 614845.

Allele frequency attached by ClinVar (database versions not stated): gnomAD exomes 0.00001.
gnomAD v4.1: 10 of 1,614,136 alleles (0.00062%); highest among the groups gnomAD compares: South Asian, 0.011%; no homozygotes.

Submission:

Labcorp Genetics (formerly Invitae), Labcorp
Classification: Pathogenic for Nephronophthisis 15. Last evaluated: 2022-03-12. Review status: criteria provided, single submitter. Criteria: Invitae Variant Classification Sherloc (09022015). Collection method: clinical testing. Allele origin: germline.
Comment: This sequence change creates a premature translational stop signal (p.Glu946*) in the CEP164 gene. It is expected to result in an absent or disrupted protein product. Loss-of-function variants in CEP164 are known to be pathogenic (PMID: 22863007, 28125082, 32367404, 34132027, 34499853). For these reasons, this variant has been classified as Pathogenic. This variant has not been reported in the literature in individuals affected with CEP164-related conditions. This variant is present in population databases (no rsID available, gnomAD 0.02%).

Literature cited by the submitters: PubMed 22863007; PubMed 28125082; PubMed 32367404; PubMed 34132027; PubMed 34499853.

NM_014956.5(CEP164):c.2836G>T (p.Glu946Ter)

Gene: CEP164 (centrosomal protein 164; plus strand). Cytogenetic location: 11q23.3.
Variant type: single nucleotide variant.
Coding change: c.2836G>T on transcript NM_014956.5 (MANE Select); coding-DNA position 2836, G replaced by T.
Protein change: p.Glu946Ter; replaces glutamic acid 946 with a stop codon.
Molecular consequence: nonsense.
Genome position (GRCh38, 1-based): chr11:117,394,995, G>T. VCF-style: chr11-117394995-G-T. GRCh37 (hg19) VCF-style: chr11-117265711-G-T.
Other names: c.2845G>T, p.Glu949Ter (NM_001271933.2); short protein forms E946*, E949*.
Identifiers: ClinVar variation 2100451 (VCV002100451.4), dbSNP rs1395159421, ClinGen allele CA382729795.